The following is an entry in ClinVar:

ClinVar aggregate classification (germline): Uncertain significance (1 of 4 stars; one submission).

Allele frequency attached by ClinVar (database versions not stated): TOPMed below 0.00001.

Submission:

Labcorp Genetics (formerly Invitae), Labcorp
Classification: Uncertain significance. Last evaluated: 2022-03-26. Review status: criteria provided, single submitter. Criteria: Invitae Variant Classification Sherloc (09022015). Collection method: clinical testing. Allele origin: germline.
Comment: This sequence change replaces threonine, which is neutral and polar, with asparagine, which is neutral and polar, at codon 23 of the ATOH7 protein (p.Thr23Asn). This variant is not present in population databases (gnomAD no frequency). This variant has not been reported in the literature in individuals affected with ATOH7-related conditions. Algorithms developed to predict the effect of missense changes on protein structure and function (SIFT, PolyPhen-2, Align-GVGD) all suggest that this variant is likely to be tolerated. In summary, the available evidence is currently insufficient to determine the role of this variant in disease. Therefore, it has been classified as a Variant of Uncertain Significance.

NM_145178.4(ATOH7):c.68C>A (p.Thr23Asn)

Genes: ATOH7 (atonal bHLH transcription factor 7; minus strand), LOC130003943 (ATAC-STARR-seq lymphoblastoid silent region 2418; plus strand). Cytogenetic location: 10q21.3.
Variant type: single nucleotide variant.
Coding change: c.68C>A on transcript NM_145178.4 (MANE Select); coding-DNA position 68, C replaced by A.
Protein change: p.Thr23Asn; replaces threonine 23 with asparagine.
Molecular consequence: missense variant.
Genome position (GRCh38, 1-based): chr10:68,231,610, G>T on the plus strand (C>A on the coding strand, the complement: ATOH7 is on the minus strand). VCF-style: chr10-68231610-G-T. GRCh37 (hg19) VCF-style: chr10-69991367-G-T.
Other names: short protein forms T23N.
Identifiers: ClinVar variation 1924592 (VCV001924592.5), dbSNP rs2044028234, ClinGen allele CA376837667.
Genomic context (GRCh38, chr10:68,231,610, plus strand): 5'-AGGCGCCTGCGCGCCGCGCTCTCCAGCCGCCCGGCCCCGGCGCACGTGCCCGCGCACTCG[G>T]TGCCGCCCGCGCACGGGGGTGCAACGCGCGCTCCCGCCGGCGGGCCGCTGGGCTTGCAGG-3'
Protein context (NP_660161.1, residues 13-33): ARVAPPCAGG[Thr23Asn]ECAGTCAGAG